The following is an entry in ClinVar:

NM_000064.4(C3):c.2246-9_2246-8delinsAT

Gene: C3 (complement C3; minus strand). Cytogenetic location: 19p13.3.
Variant type: Indel.
Coding change: c.2246-9_2246-8delinsAT on transcript NM_000064.4 (MANE Select); 9 bases into the intron before coding-DNA position 2246 through 8 bases into the intron before coding-DNA position 2246, CC replaced by AT.
Molecular consequence: intron variant.
Genome position (GRCh38, 1-based): chr19:6,702,587-6,702,588, GG replaced by AT on the plus strand (CC replaced by AT on the coding strand, the reverse complement: C3 is on the minus strand). VCF-style: chr19-6702587-GG-AT. GRCh37 (hg19) VCF-style: chr19-6702598-GG-AT.
Identifiers: ClinVar variation 422634 (VCV000422634.4), dbSNP rs1064795905, ClinGen allele CA16620910.

ClinVar aggregate classification (germline): Uncertain significance. Review status: criteria provided, multiple submitters, no conflicts (2 of 4 stars). 2 submissions from 2 submitters: Uncertain significance (2). Last evaluated 2024-01-13.

Submissions (2):

Labcorp Genetics (formerly Invitae), Labcorp
Classification: Uncertain significance. Last evaluated: 2024-01-13. Review status: criteria provided, single submitter. Criteria: Invitae Variant Classification Sherloc (09022015). Collection method: clinical testing. Allele origin: germline.
Comment: This sequence change falls in intron 17 of the C3 gene. It does not directly change the encoded amino acid sequence of the C3 protein. Information on the frequency of this variant in the gnomAD database is not available, as this variant may be reported differently in the database. This variant has not been reported in the literature in individuals affected with C3-related conditions. ClinVar contains an entry for this variant (Variation ID: 422634). Experimental studies and prediction algorithms are not available or were not evaluated, and the effect of this variant on mRNA splicing is currently unknown. In summary, the available evidence is currently insufficient to determine the role of this variant in disease. Therefore, it has been classified as a Variant of Uncertain Significance.

GeneDx
Classification: Uncertain significance. Last evaluated: 2016-10-24. Review status: criteria provided, single submitter. Criteria: GeneDx Variant Classification (06012015). Collection method: clinical testing. Allele origin: germline. Affected: yes.
Comment: The c.2246-9_2246-8delCCinsAT variant in the C3 gene has not been reported previously as a pathogenic variant nor as a benign variant, to our knowledge. This variant is predicted to damage the natural splice acceptor site in intron 17, and is expected to cause abnormal gene splicing. However, in the absence of RNA/functional studies, the actual effect of c.2246-9_2246-8delCCinsAT is unknown. The c.2246-9_2246-8delCCinsAT variant was not observed in approximately 6,500 individuals of European and African American ancestry in the NHLBI Exome Sequencing Project, indicating it is not a common benign variant in these populations. We interpret c.2246-9_2246-8delCCinsAT as a variant of uncertain significance.